The following is an entry in ClinVar:

ClinVar aggregate classification (germline): Uncertain significance. Review status: criteria provided, single submitter (1 of 4 stars). 2 submissions from 2 submitters: Uncertain significance (1). 1 of the submissions does not count toward it. Last evaluated 2021-07-09.

Conditions:
Prostate cancer, hereditary, 1 (HPC1). Identifiers: Orphanet 1331, MedGen C4722327, MONDO:0011098, OMIM 601518.

Submissions (2):

Labcorp Genetics (formerly Invitae), Labcorp
Classification: Uncertain significance. Last evaluated: 2021-07-09. Review status: criteria provided, single submitter. Criteria: Invitae Variant Classification Sherloc (09022015). Collection method: clinical testing. Allele origin: germline.
Comment: In summary, the available evidence is currently insufficient to determine the role of this variant in disease. Therefore, it has been classified as a Variant of Uncertain Significance. Algorithms developed to predict the effect of missense changes on protein structure and function are either unavailable or do not agree on the potential impact of this missense change (SIFT: "Deleterious"; PolyPhen-2: "Probably Damaging"; Align-GVGD: "Class C0"). ClinVar contains an entry for this variant (Variation ID: 691166). This variant has not been reported in the literature in individuals affected with HOXB13-related conditions. This variant is not present in population databases (ExAC no frequency). This sequence change replaces lysine with glutamine at codon 243 of the HOXB13 protein (p.Lys243Gln). The lysine residue is highly conserved and there is a small physicochemical difference between lysine and glutamine.

Laboratory of Virology, Microbiology,  Quality and Medical Biotechnologies, Faculty of Sciences and Techniques - Mohammedia, Hassan II University of Casablanca
Classification: Uncertain significance for Prostate cancer, hereditary, 1. Review status: no assertion criteria provided. Collection method: clinical testing. Allele origin: somatic. Affected: yes. Not counted in ClinVar's aggregate classification.

NM_006361.6(HOXB13):c.727A>C (p.Lys243Gln)

Gene: HOXB13 (homeobox B13; minus strand). Cytogenetic location: 17q21.32.
Variant type: single nucleotide variant.
Coding change: c.727A>C on transcript NM_006361.6 (MANE Select); coding-DNA position 727, A replaced by C.
Protein change: p.Lys243Gln; replaces lysine 243 with glutamine.
Molecular consequence: missense variant.
Genome position (GRCh38, 1-based): chr17:48,726,918, T>G on the plus strand (A>C on the coding strand, the complement: HOXB13 is on the minus strand). VCF-style: chr17-48726918-T-G. GRCh37 (hg19) VCF-style: chr17-46804280-T-G.
Other names: short protein forms K243Q.
Identifiers: ClinVar variation 691166 (VCV000691166.9), dbSNP rs1597932741, ClinGen allele CA400106272.